The following is an entry in ClinVar:

NM_000377.3(WAS):c.991A>T (p.Ile331Phe)

Gene: WAS (WASP actin nucleation promoting factor; plus strand). Cytogenetic location: Xp11.23.
Variant type: single nucleotide variant.
Coding change: c.991A>T on transcript NM_000377.3 (MANE Select); coding-DNA position 991, A replaced by T.
Protein change: p.Ile331Phe; replaces isoleucine 331 with phenylalanine.
Molecular consequence: missense variant.
Genome position (GRCh38, 1-based): chrX:48,688,719, A>T. VCF-style: chrX-48688719-A-T. GRCh37 (hg19) VCF-style: chrX-48547108-A-T.
Other names: c.991A>T (NM_000377.2); short protein forms I331F.
Identifiers: ClinVar variation 1450023 (VCV001450023.9), dbSNP rs2147266334, ClinGen allele CA412872872.

ClinVar aggregate classification (germline): Uncertain significance. Review status: criteria provided, multiple submitters, no conflicts (2 of 4 stars). 2 submissions from 2 submitters: Uncertain significance (2). Last evaluated 2021-08-30.

Conditions:
Thrombocytopenia 1. Also called: X-linked thrombocytopenia with normal platelets; THROMBOCYTOPENIA, X-LINKED, 1; X-Linked Thrombocytopenia (XLT). Identifiers: Orphanet 268322, Orphanet 852, MedGen C1839163, MONDO:0010743, OMIM 313900.
X-linked severe congenital neutropenia (SCNX). Identifiers: Orphanet 86788, MedGen C1845987, MONDO:0010294, OMIM 300299.
Wiskott-Aldrich syndrome (WAS). Also called: IMMUNODEFICIENCY 2; ALDRICH SYNDROME; WISKOTT-ALDRICH SYNDROME 1; Wiskott-aldrich syndrome, somatic. Identifiers: Orphanet 906, MedGen C0043194, MONDO:0010518, OMIM 301000.
Inborn genetic diseases. Identifiers: MedGen C0950123, MeSH D030342.

Submissions (2):

Ambry Genetics
Classification: Uncertain significance for Inborn genetic diseases. Last evaluated: 2021-08-30. Review status: criteria provided, single submitter. Criteria: Ambry Variant Classification Scheme 2023. Collection method: clinical testing. Allele origin: germline.

Labcorp Genetics (formerly Invitae), Labcorp
Classification: Uncertain significance for Wiskott-Aldrich syndrome; X-linked severe congenital neutropenia; Thrombocytopenia 1. Last evaluated: 2021-01-02. Review status: criteria provided, single submitter. Criteria: Invitae Variant Classification Sherloc (09022015). Collection method: clinical testing. Allele origin: germline.
Comment: In summary, the available evidence is currently insufficient to determine the role of this variant in disease. Therefore, it has been classified as a Variant of Uncertain Significance. Algorithms developed to predict the effect of missense changes on protein structure and function are either unavailable or do not agree on the potential impact of this missense change (SIFT: "Not Available"; PolyPhen-2: "Benign"; Align-GVGD: "Not Available"). This variant has not been reported in the literature in individuals with WAS-related conditions. This variant is not present in population databases (ExAC no frequency). This sequence change replaces isoleucine with phenylalanine at codon 331 of the WAS protein (p.Ile331Phe). The isoleucine residue is weakly conserved and there is a small physicochemical difference between isoleucine and phenylalanine.